The following is an entry in ClinVar:

ClinVar aggregate classification (germline): Likely benign. Review status: criteria provided, multiple submitters, no conflicts (2 of 4 stars). 4 submissions from 4 submitters: Likely benign (4). Last evaluated 2025-09-16.

Conditions:
Pulmonary fibrosis and/or bone marrow failure, Telomere-related, 3. Also called: PULMONARY FIBROSIS AND/OR BONE MARROW FAILURE SYNDROME, TELOMERE-RELATED, 3. Identifiers: Orphanet 2032, MedGen C4225346, MONDO:0014613, OMIM 616373.
Dyskeratosis congenita, autosomal recessive 5 (DKCB5). Identifiers: MedGen C3554656, MONDO:0014076, OMIM 615190.
Inborn genetic diseases. Identifiers: MedGen C0950123, MeSH D030342.

Allele frequency attached by ClinVar (database versions not stated): gnomAD exomes below 0.00001.
gnomAD v4.1: 3 of 1,612,674 alleles (0.00019%); highest among the groups gnomAD compares: East Asian, 0.0022%; no homozygotes.

Submissions (4):

Mayo Clinic Laboratories, Mayo Clinic
Classification: Likely benign. Last evaluated: 2025-09-16. Review status: criteria provided, single submitter. Criteria: ACMG Guidelines, 2015. Collection method: clinical testing. Allele origin: germline. Observed: 1 variant allele.
Comment: BP4, BP7

Ambry Genetics
Classification: Likely benign for Inborn genetic diseases. Last evaluated: 2025-05-05. Review status: criteria provided, single submitter. Criteria: Ambry Variant Classification Scheme 2023. Collection method: clinical testing. Allele origin: germline.

Labcorp Genetics (formerly Invitae), Labcorp
Classification: Likely benign for Dyskeratosis congenita, autosomal recessive 5; Pulmonary fibrosis and/or bone marrow failure, Telomere-related, 3. Last evaluated: 2024-09-03. Review status: criteria provided, single submitter. Criteria: Invitae Variant Classification Sherloc (09022015). Collection method: clinical testing. Allele origin: germline.

Blueprint Genetics
Classification: Likely benign. Last evaluated: 2021-11-02. Review status: criteria provided, single submitter. Criteria: ACMG Guidelines, 2015. Collection method: clinical testing. Allele origin: germline.

NM_001283009.2(RTEL1):c.1311G>A (p.Arg437=)

Genes: RTEL1 (regulator of telomere elongation helicase 1; plus strand), RTEL1-TNFRSF6B (RTEL1-TNFRSF6B readthrough (NMD candidate); plus strand). Cytogenetic location: 20q13.33.
Variant type: single nucleotide variant.
Coding change: c.1311G>A on transcript NM_001283009.2 (MANE Select); coding-DNA position 1311, G replaced by A.
Protein change: p.Arg437=; no amino-acid change (arginine 437 retained).
Molecular consequence: synonymous variant. On other transcripts: non-coding transcript variant (1).
Genome position (GRCh38, 1-based): chr20:63,685,835, G>A. VCF-style: chr20-63685835-G-A. GRCh37 (hg19) VCF-style: chr20-62317188-G-A.
Other names: p.Arg437=; c.642G>A, p.Arg214= (NM_001283010.1); c.1311G>A, p.Arg437= (NM_016434.4); c.1383G>A, p.Arg461= (NM_032957.5).
Identifiers: ClinVar variation 1083912 (VCV001083912.12), dbSNP rs373693726, ClinGen allele CA317505929.